The following is an entry in ClinVar:

NM_004006.3(DMD):c.7945C>T (p.Arg2649Trp)

Gene: DMD (dystrophin; minus strand). Cytogenetic location: Xp21.1.
Variant type: single nucleotide variant.
Coding change: c.7945C>T on transcript NM_004006.3 (MANE Select); coding-DNA position 7945, C replaced by T.
Protein change: p.Arg2649Trp; replaces arginine 2649 with tryptophan.
Molecular consequence: missense variant.
Genome position (GRCh38, 1-based): chrX:31,658,072, G>A on the plus strand (C>T on the coding strand, the complement: DMD is on the minus strand). VCF-style: chrX-31658072-G-A. GRCh37 (hg19) VCF-style: chrX-31676189-G-A.
Other names: c.7921C>T, p.Arg2641Trp (NM_000109.4); c.7933C>T, p.Arg2645Trp (NM_004009.3); c.7576C>T, p.Arg2526Trp (NM_004010.3); c.3922C>T, p.Arg1308Trp (NM_004011.4); c.3913C>T, p.Arg1305Trp (NM_004012.4); c.565C>T, p.Arg189Trp (NM_004013.3, NM_004020.4, NM_004021.3 and 2 more transcripts); short protein forms R1308W, R2526W, R2645W, R2649W, R1305W, R189W, R2641W.
Identifiers: ClinVar variation 965271 (VCV000965271.12), dbSNP rs1015097529, ClinGen allele CA328460869.

ClinVar aggregate classification (germline): Conflicting classifications of pathogenicity. Review status: criteria provided, conflicting classifications (1 of 4 stars). 4 submissions from 4 submitters: Uncertain significance (2); Likely benign (1). 1 of the submissions does not count toward it. Last evaluated 2025-03-18.

Conditions:
Cardiovascular phenotype. Identifiers: MedGen CN230736.
Duchenne muscular dystrophy (DMD). Also called: MUSCULAR DYSTROPHY, PSEUDOHYPERTROPHIC PROGRESSIVE, DUCHENNE TYPE; Duchenne Muscular Dystrophy (DMD). Identifiers: Orphanet 98896, MedGen C0013264, MONDO:0010679, OMIM 310200.
Dystrophin deficiency.
Becker muscular dystrophy (BMD). Also called: MUSCULAR DYSTROPHY, PSEUDOHYPERTROPHIC PROGRESSIVE, BECKER TYPE; Becker Muscular Dystrophy (BMD). Identifiers: Orphanet 98895, MedGen C0917713, MONDO:0010311, OMIM 300376.
Cardiomyopathy (CMYO). Also called: Cardiomyopathies. Identifiers: Orphanet 167848, MedGen C0878544, MONDO:0004994, HP:0001638. Inheritance: Various modes of inheritance.

Allele frequency attached by ClinVar (database versions not stated): gnomAD exomes 0.00001; gnomAD 0.00002; TOPMed 0.00002.
gnomAD v4.1: 7 of 1,209,655 alleles (0.00058%); highest among the groups gnomAD compares: Admixed American, 0.0066%; no homozygotes.

Submissions (4):

Labcorp Genetics (formerly Invitae), Labcorp
Classification: Likely benign for Duchenne muscular dystrophy. Last evaluated: 2025-03-18. Review status: criteria provided, single submitter. Criteria: Invitae Variant Classification Sherloc (09022015). Collection method: clinical testing. Allele origin: germline.

Ambry Genetics
Classification: Uncertain significance for Cardiovascular phenotype. Last evaluated: 2022-09-13. Review status: criteria provided, single submitter. Criteria: Ambry Variant Classification Scheme 2023. Collection method: clinical testing. Allele origin: germline.
Comment: The p.R2649W variant (also known as c.7945C>T), located in coding exon 54 of the DMD gene, results from a C to T substitution at nucleotide position 7945. The arginine at codon 2649 is replaced by tryptophan, an amino acid with dissimilar properties. Based on data from gnomAD, the T allele has an overall frequency of <0.01% (1/183232) total alleles studied, with 1 hemizygote(s) observed. The highest observed frequency was <0.01% (1/81735) of European (non-Finnish) alleles. This amino acid position is highly conserved in available vertebrate species. In addition, the in silico prediction for this alteration is inconclusive. Since supporting evidence is limited at this time, the clinical significance of this alteration remains unclear.

Revvity Omics, Revvity
Classification: Uncertain significance. Last evaluated: 2019-11-14. Review status: criteria provided, single submitter. Criteria: ACMG Guidelines, 2015. Collection method: clinical testing. Allele origin: germline.

Natera, Inc.
Classification: Uncertain significance for Becker muscular dystrophy; Cardiomyopathy; Duchenne muscular dystrophy; Dystrophin deficiency. Last evaluated: 2019-06-29. Review status: no assertion criteria provided. Collection method: clinical testing. Allele origin: germline. Not counted in ClinVar's aggregate classification.